The following is an entry in ClinVar:

ClinVar aggregate classification (germline): Likely pathogenic (1 of 4 stars; one submission).

Conditions:
DNMT3A-related disorder. Also called: DNMT3A-related disorders; DNMT3A-related condition.

Submission:

PreventionGenetics, part of Exact Sciences
Classification: Likely pathogenic for DNMT3A-related condition. Last evaluated: 2026-04-13. Review status: criteria provided, single submitter. Criteria: ACMG Guidelines, 2015. Collection method: clinical testing. Allele origin: germline.
Comment: The DNMT3A c.2246G>A variant is predicted to result in the amino acid substitution p.Arg749His. This variant has been reported in the de novo and heterozygous states in individuals with Tatton-Brown-Rahman syndrome or developmental disorder (Tatton-Brown et al. 2018. PubMed ID: 29900417; Jeffries et al. 2019. PubMed ID: 31160375; Turner et al. 2019. PubMed ID: 31785789. Table S2: data from the Tatton-Brown paper). Other missense substitutions at this codon (Arg749Cys) has also been observed in individuals with Tatton-Brown-Rahman syndrome (Tatton-Brown et al. 2014. PubMed ID: 24614070; Tatton-Brown et al. 2018. PubMed ID: 29900417; Jeffries et al. 2019. PubMed ID: 31160375) suggesting that substitution of amino acid residue p.Arg749 is not tolerated. This variant is reported in 0.018% of alleles in individuals of African descent in gnomAD. DNMT3A is the most frequently mutated known driver gene in age-related clonal hematopoiesis that may be likely responsible for the high allele frequency in gnomAD (Jung et al. 2020. PubMed ID: 32073406). Taken together, this variant is interpreted as likely pathogenic.

NM_022552.5(DNMT3A):c.2246G>A (p.Arg749His)

Gene: DNMT3A (DNA methyltransferase 3 alpha; minus strand). Cytogenetic location: 2p23.3.
Variant type: single nucleotide variant.
Coding change: c.2246G>A on transcript NM_022552.5 (MANE Select); coding-DNA position 2246, G replaced by A.
Protein change: p.Arg749His; replaces arginine 749 with histidine.
Molecular consequence: missense variant. On other transcripts: non-coding transcript variant (1).
Genome position (GRCh38, 1-based): chr2:25,240,378, C>T on the plus strand (G>A on the coding strand, the complement: DNMT3A is on the minus strand). VCF-style: chr2-25240378-C-T. GRCh37 (hg19) VCF-style: chr2-25463247-C-T.
Other names: c.1790G>A, p.Arg597His (NM_001320893.1); c.1577G>A, p.Arg526His (NM_001375819.1); c.1679G>A, p.Arg560His (NM_153759.3); c.2246G>A, p.Arg749His (NM_175629.2); short protein forms R560H, R597H, R749H, R526H.
Identifiers: ClinVar variation 4979549 (VCV004979549.1).